The following is an entry in ClinVar:

NM_032638.5(GATA2):c.989G>T (p.Arg330Leu)

Gene: GATA2 (GATA binding protein 2; minus strand). Cytogenetic location: 3q21.3.
Variant type: single nucleotide variant.
Coding change: c.989G>T on transcript NM_032638.5 (MANE Select); coding-DNA position 989, G replaced by T.
Protein change: p.Arg330Leu; replaces arginine 330 with leucine.
Molecular consequence: missense variant.
Genome position (GRCh38, 1-based): chr3:128,483,888, C>A on the plus strand (G>T on the coding strand, the complement: GATA2 is on the minus strand). VCF-style: chr3-128483888-C-A. GRCh37 (hg19) VCF-style: chr3-128202731-C-A.
Other names: c.989G>T, p.Arg330Leu (NM_001145661.2, NM_001145662.1); short protein forms R330L.
Identifiers: ClinVar variation 1186356 (VCV001186356.2), dbSNP rs2107670339, ClinGen allele CA354404332.

ClinVar aggregate classification (germline): Uncertain significance (1 of 4 stars; one submission).

Submission:

GeneDx
Classification: Uncertain significance. Last evaluated: 2021-02-26. Review status: criteria provided, single submitter. Criteria: GeneDx Variant Classification Process June 2021. Collection method: clinical testing. Allele origin: germline. Affected: yes.
Comment: Not observed in large population cohorts (Lek et al., 2016); In silico analysis supports that this missense variant has a deleterious effect on protein structure/function; This variant is associated with the following publications: (PMID: 32554555, 23613679, 29773598, 27375010, 25241285, 23560626)